The following is an entry in ClinVar:

ClinVar aggregate classification (germline): Benign (1 of 4 stars; one submission).

Allele frequency attached by ClinVar (database versions not stated): gnomAD 0.19059 and 0.19616; TOPMed 0.19485; 1000 Genomes Project 30x 0.20503; 1000 Genomes Project 0.21026.
gnomAD v4.1: 29,784 of 152,004 alleles (20%); highest among the groups gnomAD compares: Middle Eastern, 31%; 3,088 homozygotes.

Submission:

GeneDx
Classification: Benign. Last evaluated: 2018-06-14. Review status: criteria provided, single submitter. Criteria: GeneDx Variant Classification (06012015). Collection method: clinical testing. Allele origin: germline. Affected: yes.
Comment: This variant is considered likely benign or benign based on one or more of the following criteria: it is a conservative change, it occurs at a poorly conserved position in the protein, it is predicted to be benign by multiple in silico algorithms, and/or has population frequency not consistent with disease.

NM_182961.4(SYNE1):c.581+261G>A

Gene: SYNE1 (spectrin repeat containing nuclear envelope protein 1; minus strand). Cytogenetic location: 6q25.2.
Variant type: single nucleotide variant.
Coding change: c.581+261G>A on transcript NM_182961.4 (MANE Select); 261 bases into the intron after coding-DNA position 581, G replaced by A.
Molecular consequence: intron variant.
Genome position (GRCh38, 1-based): chr6:152,509,932, C>T on the plus strand (G>A on the coding strand, the complement: SYNE1 is on the minus strand). VCF-style: chr6-152509932-C-T. GRCh37 (hg19) VCF-style: chr6-152831067-C-T.
Other names: c.602+261G>A (NM_033071.5).
Identifiers: ClinVar variation 683898 (VCV000683898.1), dbSNP rs2623971, ClinGen allele CA16283918.